The following is an entry in ClinVar:

NM_001142864.4(PIEZO1):c.2230_2253del (p.His744_Glu751del)

Genes: HSALR1 (HSP90AB1 associated lncRNA 1; plus strand), PIEZO1 (piezo type mechanosensitive ion channel component 1 (Er blood group); minus strand). Cytogenetic location: 16q24.3.
Variant type: Deletion.
Coding change: c.2230_2253del on transcript NM_001142864.4 (MANE Select); coding-DNA positions 2230 to 2253, 24 bases deleted (CATCAGCAGCAGCAGCAGGAGGAG).
Protein change: p.His744_Glu751del.
Genome position (GRCh38, 1-based): chr16:88,733,982-88,734,005, CTCCTCCTGCTGCTGCTGCTGATG deleted on the plus strand (CATCAGCAGCAGCAGCAGGAGGAG on the coding strand, the reverse complement: PIEZO1 is on the minus strand); deleting any 24 consecutive bases within chr16:88,733,982-88,734,010 gives the same sequence; the c. name uses the placement nearest the transcript's 3' end. VCF-style (leftmost placement, unchanged base first): chr16-88733981-CCTCCTCCTGCTGCTGCTGCTGATG-C. GRCh37 (hg19) VCF-style: chr16-88800389-CCTCCTCCTGCTGCTGCTGCTGATG-C.
Other names: p.His744_Glu751del.
Identifiers: ClinVar variation 3380432 (VCV003380432.4).
Genomic context (GRCh38, chr16:88,733,981, plus strand): 5'-TGGCCTGGTGGGGAGTGGCCACGCCCAGCCCCTCGTCCCTGGAGTCCTCCTCCTCCTCCT[CCTCCTCCTGCTGCTGCTGCTGATG>C]CTCCTGCTGCTCCTCCCGCAGCAGTGGGGTCCCACTCACTGCATCCTGCCTGGGAGAGGG-3'

ClinVar aggregate classification (germline): Uncertain significance. Review status: criteria provided, multiple submitters, no conflicts (2 of 4 stars). 3 submissions from 3 submitters: Uncertain significance (3). Last evaluated 2025-10-11.

Submissions (3):

Labcorp Genetics (formerly Invitae), Labcorp
Classification: Uncertain significance. Last evaluated: 2025-10-11. Review status: criteria provided, single submitter. Criteria: Invitae Variant Classification Sherloc (09022015). Collection method: clinical testing. Allele origin: germline.
Comment: This variant, c.2230_2253del, results in the deletion of 8 amino acid(s) of the PIEZO1 protein (p.His744_Glu751del), but otherwise preserves the integrity of the reading frame. The frequency data for this variant in the population databases is considered unreliable, as metrics indicate poor data quality at this position in the gnomAD database. This variant has not been reported in the literature in individuals affected with PIEZO1-related conditions. ClinVar contains an entry for this variant (Variation ID: 3380432). In summary, the available evidence is currently insufficient to determine the role of this variant in disease. Therefore, it has been classified as a Variant of Uncertain Significance.

Blueprint Genetics
Classification: Uncertain significance. Last evaluated: 2024-11-22. Review status: criteria provided, single submitter. Criteria: ACMG Guidelines, 2015. Collection method: clinical testing. Allele origin: germline.

Mayo Clinic Laboratories, Mayo Clinic
Classification: Uncertain significance. Last evaluated: 2024-04-23. Review status: criteria provided, single submitter. Criteria: ACMG Guidelines, 2015. Collection method: clinical testing. Allele origin: germline. Observed: 2 variant alleles.
Comment: PM4